The following is an entry in ClinVar:

ClinVar aggregate classification (germline): Benign/Likely benign. Review status: criteria provided, multiple submitters, no conflicts (2 of 4 stars). 4 submissions from 4 submitters: Benign (2); Likely benign (2). Last evaluated 2024-11-25.

Allele frequency attached by ClinVar (database versions not stated): gnomAD exomes 0.00036; ExAC 0.00047; gnomAD 0.00126 and 0.00136; ESP Exome Variant Server 0.00131; 1000 Genomes Project 30x 0.00156; TOPMed 0.00165; 1000 Genomes Project 0.00180.

Submissions (4):

Blueprint Genetics
Classification: Likely benign. Last evaluated: 2024-11-25. Review status: criteria provided, single submitter. Criteria: ACMG Guidelines, 2015. Collection method: clinical testing. Allele origin: germline.

CeGaT Center for Human Genetics Tuebingen
Classification: Likely benign. Last evaluated: 2023-06-01. Review status: criteria provided, single submitter. Criteria: CeGaT Center For Human Genetics Tuebingen Variant Classification Criteria Version 2. Collection method: clinical testing. Allele origin: germline. Affected: yes. Observed: 1 variant allele.
Comment: CTNND2: BP4, BP7

Labcorp Genetics (formerly Invitae), Labcorp
Classification: Benign. Last evaluated: 2019-12-31. Review status: criteria provided, single submitter. Criteria: Invitae Variant Classification Sherloc (09022015). Collection method: clinical testing. Allele origin: germline.

GeneDx
Classification: Benign. Last evaluated: 2019-06-27. Review status: criteria provided, single submitter. Criteria: GeneDx Variant Classification Process June 2021. Collection method: clinical testing. Allele origin: germline. Affected: yes.

NM_001332.4(CTNND2):c.594G>A (p.Thr198=)

Gene: CTNND2 (catenin delta 2; minus strand). Cytogenetic location: 5p15.2.
Variant type: single nucleotide variant.
Coding change: c.594G>A on transcript NM_001332.4 (MANE Select); coding-DNA position 594, G replaced by A.
Protein change: p.Thr198=; no amino-acid change (threonine 198 retained).
Molecular consequence: synonymous variant. On other transcripts: 5 prime UTR variant (1), intron variant (2).
Genome position (GRCh38, 1-based): chr5:11,397,049, C>T on the plus strand (G>A on the coding strand, the complement: CTNND2 is on the minus strand). VCF-style: chr5-11397049-C-T. GRCh37 (hg19) VCF-style: chr5-11397161-C-T.
Other names: c.321G>A, p.Thr107= (NM_001288715.1); c.-141G>A (NM_001288717.2); c.166+14487G>A (NM_001364128.2, NM_001288716.1).
Identifiers: ClinVar variation 716339 (VCV000716339.32), dbSNP rs61749784, ClinGen allele CA3201037.